The following is an entry in ClinVar:

ClinVar aggregate classification (germline): Uncertain significance (1 of 4 stars; one submission).

Conditions:
Hereditary cancer-predisposing syndrome. Also called: Neoplastic Syndromes, Hereditary; Tumor predisposition; Hereditary neoplastic syndrome; Hereditary Cancer Syndrome. Identifiers: Orphanet 140162, MedGen C0027672, MeSH D009386, MONDO:0015356.

Submission:

Ambry Genetics
Classification: Uncertain significance for Hereditary cancer-predisposing syndrome. Last evaluated: 2024-01-15. Review status: criteria provided, single submitter. Criteria: Ambry Variant Classification Scheme 2023. Collection method: clinical testing. Allele origin: germline.
Comment: The p.F264C variant (also known as c.791T>G), located in coding exon 2 of the HOXB13 gene, results from a T to G substitution at nucleotide position 791. The phenylalanine at codon 264 is replaced by cysteine, an amino acid with highly dissimilar properties. This amino acid position is conserved. In addition, this alteration is predicted to be deleterious by in silico analysis. Since supporting evidence is limited at this time, the clinical significance of this alteration remains unclear.

NM_006361.6(HOXB13):c.791T>G (p.Phe264Cys)

Gene: HOXB13 (homeobox B13; minus strand). Cytogenetic location: 17q21.32.
Variant type: single nucleotide variant.
Coding change: c.791T>G on transcript NM_006361.6 (MANE Select); coding-DNA position 791, T replaced by G.
Protein change: p.Phe264Cys; replaces phenylalanine 264 with cysteine.
Molecular consequence: missense variant.
Genome position (GRCh38, 1-based): chr17:48,726,854, A>C on the plus strand (T>G on the coding strand, the complement: HOXB13 is on the minus strand). VCF-style: chr17-48726854-A-C. GRCh37 (hg19) VCF-style: chr17-46804216-A-C.
Other names: short protein forms F264C.
Identifiers: ClinVar variation 3225547 (VCV003225547.1), dbSNP rs1555558450, ClinGen allele CA400105687.